The following is an entry in ClinVar:

ClinVar aggregate classification (germline): Likely benign (0 of 4 stars; one submission).

Conditions:
SPNS2-related disorder. Also called: SPNS2-related condition.

gnomAD v4.1: 316 of 1,613,836 alleles (0.02%); highest among the groups gnomAD compares: Non-Finnish European, 0.024%; no homozygotes.

Submission:

PreventionGenetics, part of Exact Sciences
Classification: Likely benign for SPNS2-related condition. Last evaluated: 2024-05-08. Review status: no assertion criteria provided. Collection method: clinical testing. Allele origin: germline.
Comment: This variant is classified as likely benign based on ACMG/AMP sequence variant interpretation guidelines (Richards et al. 2015 PMID: 25741868, with internal and published modifications).

NM_001124758.3(SPNS2):c.417C>T (p.Gly139=)

Gene: SPNS2 (SPNS lysolipid transporter 2, sphingosine-1-phosphate; plus strand). Cytogenetic location: 17p13.2.
Variant type: single nucleotide variant.
Coding change: c.417C>T on transcript NM_001124758.3 (MANE Select); coding-DNA position 417, C replaced by T.
Protein change: p.Gly139=; no amino-acid change (glycine 139 retained).
Molecular consequence: synonymous variant.
Genome position (GRCh38, 1-based): chr17:4,513,293, C>T. VCF-style: chr17-4513293-C-T. GRCh37 (hg19) VCF-style: chr17-4416588-C-T.
Identifiers: ClinVar variation 3352578 (VCV003352578.1).